The following is an entry in ClinVar:

NM_014467.3(SRPX2):c.1157C>T (p.Pro386Leu)

Gene: SRPX2 (sushi repeat containing protein X-linked 2; plus strand). Cytogenetic location: Xq22.1.
Variant type: single nucleotide variant.
Coding change: c.1157C>T on transcript NM_014467.3 (MANE Select); coding-DNA position 1157, C replaced by T.
Protein change: p.Pro386Leu; replaces proline 386 with leucine.
Molecular consequence: missense variant.
Genome position (GRCh38, 1-based): chrX:100,669,309, C>T. VCF-style: chrX-100669309-C-T. GRCh37 (hg19) VCF-style: chrX-99924306-C-T.
Other names: short protein forms P386L.
Identifiers: ClinVar variation 1305037 (VCV001305037.3), dbSNP rs2147651526, ClinGen allele CA413915829.

ClinVar aggregate classification (germline): Uncertain significance (1 of 4 stars; one submission).

Submission:

GeneDx
Classification: Uncertain significance. Last evaluated: 2026-08-07. Review status: criteria provided, single submitter. Criteria: GeneDx Variant Classification Process June 2021. Collection method: clinical testing. Allele origin: germline.
Comment: Not observed at significant frequency in large population cohorts (gnomAD); In silico analysis supports that this missense variant has a deleterious effect on protein structure/function; Has not been previously published as pathogenic or benign to our knowledge; Variants in candidate genes are classified as variants of uncertain significance in accordance with ACMG guidelines (PMID: 25741868)